The following is an entry in ClinVar:

ClinVar aggregate classification (germline): Pathogenic (1 of 4 stars; one submission).

Submission:

Labcorp Genetics (formerly Invitae), Labcorp
Classification: Pathogenic. Last evaluated: 2024-04-27. Review status: criteria provided, single submitter. Criteria: Invitae Variant Classification Sherloc (09022015). Collection method: clinical testing. Allele origin: germline.
Comment: This sequence change creates a premature translational stop signal (p.Ala616Serfs*106) in the BICRA gene. It is expected to result in an absent or disrupted protein product. Loss-of-function variants in BICRA are known to be pathogenic (PMID: 33232675). This variant is not present in population databases (gnomAD no frequency). This variant has not been reported in the literature in individuals affected with BICRA-related conditions. For these reasons, this variant has been classified as Pathogenic.

Literature cited by the submitters: PubMed 33232675.

NM_001394372.1(BICRA):c.1846_1852del (p.Ala616fs)

Gene: BICRA (BRD4 interacting chromatin remodeling complex associated protein; plus strand). Cytogenetic location: 19q13.33.
Variant type: Deletion.
Coding change: c.1846_1852del on transcript NM_001394372.1 (MANE Select); coding-DNA positions 1846 to 1852, 7 bases deleted (GCGCCTG; older notation c.1846_1852delGCGCCTG).
Protein change: p.Ala616fs; shifts the reading frame from alanine 616.
Molecular consequence: frameshift variant.
Genome position (GRCh38, 1-based): chr19:47,681,016-47,681,022, GCGCCTG deleted. VCF-style (leftmost placement, unchanged base first): chr19-47681015-CGCGCCTG-C. GRCh37 (hg19) VCF-style: chr19-48184272-CGCGCCTG-C.
Other names: c.1846_1852del, p.Ala616fs (NM_015711.3); short protein forms A616fs.
Identifiers: ClinVar variation 3651342 (VCV003651342.2).
Genomic context (GRCh38, chr19:47,681,015, plus strand): 5'-GCTCAACACCCCCGACGGCCTGGTGCAGCCGGCCACCCCTGCCGCTGCCACCGGGGAGGC[CGCGCCTG>C]TCCTCACGGTGCAGCCTGCCCCCCAGGCGCCCCCCGCGGTCAGCACACCCCTGCCCCTGG-3'